The following is an entry in ClinVar:

NM_000127.3(EXT1):c.718G>C (p.Asp240His)

Gene: EXT1 (exostosin glycosyltransferase 1; minus strand). Cytogenetic location: 8q24.11.
Variant type: single nucleotide variant.
Coding change: c.718G>C on transcript NM_000127.3 (MANE Select); coding-DNA position 718, G replaced by C.
Protein change: p.Asp240His; replaces aspartic acid 240 with histidine.
Molecular consequence: missense variant.
Genome position (GRCh38, 1-based): chr8:118,110,329, C>G on the plus strand (G>C on the coding strand, the complement: EXT1 is on the minus strand). VCF-style: chr8-118110329-C-G. GRCh37 (hg19) VCF-style: chr8-119122568-C-G.
Other names: short protein forms D240H.
Identifiers: ClinVar variation 2414207 (VCV002414207.5), dbSNP rs759603929, ClinGen allele CA4854325.

ClinVar aggregate classification (germline): Uncertain significance (1 of 4 stars; one submission).

Conditions:
Multiple congenital exostosis (EXT). Also called: Hereditary multiple osteochondromas; Multiple exostoses; Multiple osteochondromas; MULTIPLE CARTILAGINOUS EXOSTOSES; Hereditary multiple exostoses; Hereditary multiple exostosis. Identifiers: Orphanet 321, MedGen C0015306, MONDO:0005508, HP:0002762.

Allele frequency attached by ClinVar (database versions not stated): gnomAD exomes below 0.00001; TOPMed below 0.00001; ExAC 0.00001.
gnomAD v4.1: 1 of 1,614,154 alleles (0.000062%); highest among the groups gnomAD compares: Non-Finnish European, 0.000085%; no homozygotes.

Submission:

Labcorp Genetics (formerly Invitae), Labcorp
Classification: Uncertain significance for Multiple congenital exostosis. Last evaluated: 2022-04-03. Review status: criteria provided, single submitter. Criteria: Invitae Variant Classification Sherloc (09022015). Collection method: clinical testing. Allele origin: germline.
Comment: This sequence change replaces aspartic acid, which is acidic and polar, with histidine, which is basic and polar, at codon 240 of the EXT1 protein (p.Asp240His). This variant is present in population databases (rs759603929, gnomAD 0.002%). This variant has not been reported in the literature in individuals affected with EXT1-related conditions. Algorithms developed to predict the effect of missense changes on protein structure and function are either unavailable or do not agree on the potential impact of this missense change (SIFT: "Deleterious"; PolyPhen-2: "Probably Damaging"; Align-GVGD: "Class C0"). In summary, the available evidence is currently insufficient to determine the role of this variant in disease. Therefore, it has been classified as a Variant of Uncertain Significance.